The following is an entry in ClinVar:

ClinVar aggregate classification (germline): Uncertain significance. Review status: criteria provided, multiple submitters, no conflicts (2 of 4 stars). 2 submissions from 2 submitters: Uncertain significance (2). Last evaluated 2026-03-27.

Conditions:
Cystic fibrosis (CF). Also called: MUCOVISCIDOSIS. Identifiers: Orphanet 586, MedGen C0010674, MONDO:0009061, OMIM 219700. Disease mechanism: loss of function.

gnomAD v4.1: 2 of 1,605,144 alleles (0.00012%); highest among the groups gnomAD compares: East Asian, 0.0022%; no homozygotes.

Submissions (2):

Ambry Genetics
Classification: Uncertain significance for Cystic fibrosis. Last evaluated: 2026-03-27. Review status: criteria provided, single submitter. Criteria: Ambry Variant Classification Scheme 2023. Collection method: clinical testing. Allele origin: germline.
Comment: The p.V260A variant (also known as c.779T>C), located in coding exon 7 of the CFTR gene, results from a T to C substitution at nucleotide position 779. The valine at codon 260 is replaced by alanine, an amino acid with similar properties. This amino acid position is not well conserved in available vertebrate species. In addition, this alteration is predicted to be tolerated by in silico analysis. Based on the available evidence, the clinical significance of this variant remains unclear.

Labcorp Genetics (formerly Invitae), Labcorp
Classification: Uncertain significance for Cystic fibrosis. Last evaluated: 2025-08-15. Review status: criteria provided, single submitter. Criteria: Invitae Variant Classification Sherloc (09022015). Collection method: clinical testing. Allele origin: germline.
Comment: This sequence change replaces valine, which is neutral and non-polar, with alanine, which is neutral and non-polar, at codon 260 of the CFTR protein (p.Val260Ala). This variant is present in population databases (no rsID available, gnomAD 0.006%). This variant has not been reported in the literature in individuals affected with CFTR-related conditions. ClinVar contains an entry for this variant (Variation ID: 3630152). Invitae Evidence Modeling of protein sequence and biophysical properties (such as structural, functional, and spatial information, amino acid conservation, physicochemical variation, residue mobility, and thermodynamic stability) indicates that this missense variant is not expected to disrupt CFTR protein function with a negative predictive value of 80%. In summary, the available evidence is currently insufficient to determine the role of this variant in disease. Therefore, it has been classified as a Variant of Uncertain Significance.

NM_000492.4(CFTR):c.779T>C (p.Val260Ala)

Gene: CFTR (CF transmembrane conductance regulator; plus strand). Cytogenetic location: 7q31.2.
Variant type: single nucleotide variant.
Coding change: c.779T>C on transcript NM_000492.4 (MANE Select); coding-DNA position 779, T replaced by C.
Protein change: p.Val260Ala; replaces valine 260 with alanine.
Molecular consequence: missense variant.
Genome position (GRCh38, 1-based): chr7:117,536,583, T>C. VCF-style: chr7-117536583-T-C. GRCh37 (hg19) VCF-style: chr7-117176637-T-C.
Other names: short protein forms V260A.
Identifiers: ClinVar variation 3630152 (VCV003630152.3).